The following is an entry in ClinVar:

NM_022437.3(ABCG8):c.1372C>T (p.Leu458Phe)

Gene: ABCG8 (ATP binding cassette subfamily G member 8; plus strand). Cytogenetic location: 2p21.
Variant type: single nucleotide variant.
Coding change: c.1372C>T on transcript NM_022437.3 (MANE Select); coding-DNA position 1372, C replaced by T.
Protein change: p.Leu458Phe; replaces leucine 458 with phenylalanine.
Molecular consequence: missense variant.
Genome position (GRCh38, 1-based): chr2:43,873,947, C>T. VCF-style: chr2-43873947-C-T. GRCh37 (hg19) VCF-style: chr2-44101086-C-T.
Other names: c.1369C>T, p.Leu457Phe (NM_001357321.2); short protein forms L457F, L458F.
Identifiers: ClinVar variation 1771072 (VCV001771072.2), dbSNP rs1319057307, ClinGen allele CA346669546.

ClinVar aggregate classification (germline): Uncertain significance (1 of 4 stars; one submission).

Conditions:
Cardiovascular phenotype. Identifiers: MedGen CN230736.

Allele frequency attached by ClinVar (database versions not stated): gnomAD exomes below 0.00001.
gnomAD v4.1: 1 of 1,614,138 alleles (0.000062%); highest among the groups gnomAD compares: South Asian, 0.0011%; no homozygotes.

Submission:

Ambry Genetics
Classification: Uncertain significance for Cardiovascular phenotype. Last evaluated: 2021-10-19. Review status: criteria provided, single submitter. Criteria: Ambry Variant Classification Scheme 2023. Collection method: clinical testing. Allele origin: germline.
Comment: The p.L458F variant (also known as c.1372C>T), located in coding exon 9 of the ABCG8 gene, results from a C to T substitution at nucleotide position 1372. The leucine at codon 458 is replaced by phenylalanine, an amino acid with highly similar properties. This amino acid position is conserved. In addition, the in silico prediction for this alteration is inconclusive. Since supporting evidence is limited at this time, the clinical significance of this alteration remains unclear.